The following is an entry in ClinVar:

ClinVar aggregate classification (germline): Uncertain significance. Review status: criteria provided, multiple submitters, no conflicts (2 of 4 stars). 2 submissions from 2 submitters: Uncertain significance (2). Last evaluated 2024-07-14.

Conditions:
Immunodeficiency 51 (IMD51). Also called: CANDIDIASIS, FAMILIAL, 5. Identifiers: Orphanet 1334, MedGen C4310803, MONDO:0013500, OMIM 613953.

Allele frequency attached by ClinVar (database versions not stated): gnomAD exomes 0.00002 and 0.00003; TOPMed 0.00002; ExAC 0.00003; gnomAD 0.00003; ESP Exome Variant Server 0.00015.
gnomAD v4.1: 40 of 1,613,124 alleles (0.0025%); highest among the groups gnomAD compares: South Asian, 0.012%; no homozygotes.

Submissions (2):

Ambry Genetics
Classification: Uncertain significance. Last evaluated: 2024-07-14. Review status: criteria provided, single submitter. Criteria: Ambry Variant Classification Scheme 2023. Collection method: clinical testing. Allele origin: germline.

Labcorp Genetics (formerly Invitae), Labcorp
Classification: Uncertain significance for Immunodeficiency 51. Last evaluated: 2022-01-12. Review status: criteria provided, single submitter. Criteria: Invitae Variant Classification Sherloc (09022015). Collection method: clinical testing. Allele origin: germline.
Comment: This sequence change replaces proline, which is neutral and non-polar, with serine, which is neutral and polar, at codon 255 of the IL17RA protein (p.Pro255Ser). This variant is present in population databases (rs375341860, gnomAD 0.007%). This variant has not been reported in the literature in individuals affected with IL17RA-related conditions. ClinVar contains an entry for this variant (Variation ID: 858138). Algorithms developed to predict the effect of missense changes on protein structure and function (SIFT, PolyPhen-2, Align-GVGD) all suggest that this variant is likely to be tolerated. In summary, the available evidence is currently insufficient to determine the role of this variant in disease. Therefore, it has been classified as a Variant of Uncertain Significance.

NM_014339.7(IL17RA):c.763C>T (p.Pro255Ser)

Gene: IL17RA (interleukin 17 receptor A; plus strand). Cytogenetic location: 22q11.1.
Variant type: single nucleotide variant.
Coding change: c.763C>T on transcript NM_014339.7 (MANE Select); coding-DNA position 763, C replaced by T.
Protein change: p.Pro255Ser; replaces proline 255 with serine.
Molecular consequence: missense variant.
Genome position (GRCh38, 1-based): chr22:17,103,494, C>T. VCF-style: chr22-17103494-C-T. GRCh37 (hg19) VCF-style: chr22-17584384-C-T.
Other names: c.763C>T, p.Pro255Ser (NM_001289905.2); c.763C>T (NM_014339.5); short protein forms P255S.
Identifiers: ClinVar variation 858138 (VCV000858138.8), dbSNP rs375341860, ClinGen allele CA10086485.
Genomic context (GRCh38, chr22:17,103,494, plus strand): 5'-CTTACCCAACTAGCCTTACCCATCCCAACTAGCCTTACCCATCCTCGCCTCTCTCCTCAG[C>T]CCAGACCAGAAGAGTTCCACCAGCGATCCAACGTCACACTCACTCTACGCAACCTTAAAG-3'
Protein context (NP_055154.3, residues 245-265): CFEHMHHIPA[Pro255Ser]RPEEFHQRSN